The following is an entry in ClinVar:

NM_001079537.2(TRAPPC6B):c.474G>C (p.Leu158=)

Gene: TRAPPC6B (trafficking protein particle complex subunit 6B; minus strand). Cytogenetic location: 14q21.1.
Variant type: single nucleotide variant.
Coding change: c.474G>C on transcript NM_001079537.2 (MANE Select); coding-DNA position 474, G replaced by C.
Protein change: p.Leu158=; no amino-acid change (leucine 158 retained).
Molecular consequence: synonymous variant.
Genome position (GRCh38, 1-based): chr14:39,150,353, C>G on the plus strand (G>C on the coding strand, the complement: TRAPPC6B is on the minus strand). VCF-style: chr14-39150353-C-G. GRCh37 (hg19) VCF-style: chr14-39619557-C-G.
Other names: c.390G>C, p.Leu130= (NM_177452.4).
Identifiers: ClinVar variation 1673738 (VCV001673738.31), dbSNP rs74683746, ClinGen allele CA7162702.

ClinVar aggregate classification (germline): Benign. Review status: criteria provided, multiple submitters, no conflicts (2 of 4 stars). 2 submissions from 2 submitters: Benign (2). Last evaluated 2025-11-25.

Allele frequency attached by ClinVar (database versions not stated): ExAC 0.00122; 1000 Genomes Project 0.00339; 1000 Genomes Project 30x 0.00359; gnomAD 0.00419 and 0.00453; ESP Exome Variant Server 0.00554.
gnomAD v4.1: 1,214 of 1,584,124 alleles (0.077%); highest among the groups gnomAD compares: African/African-American, 1.5%; 14 homozygotes.

Submissions (2):

Labcorp Genetics (formerly Invitae), Labcorp
Classification: Benign. Last evaluated: 2025-11-25. Review status: criteria provided, single submitter. Criteria: Invitae Variant Classification Sherloc (09022015). Collection method: clinical testing. Allele origin: germline.

CeGaT Center for Human Genetics Tuebingen
Classification: Benign. Last evaluated: 2022-11-01. Review status: criteria provided, single submitter. Criteria: CeGaT Center For Human Genetics Tuebingen Variant Classification Criteria Version 2. Collection method: clinical testing. Allele origin: germline. Affected: yes. Observed: 1 variant allele.
Comment: ENSG00000285830: BS1, BS2; TRAPPC6B: BP4, BP7, BS1, BS2